The following is an entry in ClinVar:

ClinVar aggregate classification (germline): Likely benign (1 of 4 stars; one submission).

Conditions:
SDCCAG8-related disorder. Also called: SDCCAG8-related condition; SDCCAG8-Related Disorders.

Submission:

PreventionGenetics, part of Exact Sciences
Classification: Likely benign for SDCCAG8-related condition. Last evaluated: 2026-02-03. Review status: criteria provided, single submitter. Criteria: ACMG Guidelines, 2015. Collection method: clinical testing. Allele origin: germline.
Comment: This variant is classified as likely benign based on ACMG/AMP sequence variant interpretation guidelines (Richards et al. 2015 PMID: 25741868, with internal and published modifications).

NM_006642.5(SDCCAG8):c.1953G>A (p.Gln651=)

Gene: SDCCAG8 (SHH signaling and ciliogenesis regulator SDCCAG8; plus strand). Cytogenetic location: 1q43.
Variant type: single nucleotide variant.
Coding change: c.1953G>A on transcript NM_006642.5 (MANE Select); coding-DNA position 1953, G replaced by A.
Protein change: p.Gln651=; no amino-acid change (glutamine 651 retained).
Molecular consequence: synonymous variant.
Genome position (GRCh38, 1-based): chr1:243,426,526, G>A. VCF-style: chr1-243426526-G-A. GRCh37 (hg19) VCF-style: chr1-243589828-G-A.
Other names: c.1050G>A, p.Gln350= (NM_001350246.2, NM_001350247.2, NM_001350251.2); c.2049G>A, p.Gln683= (NM_001350248.2); c.1659G>A, p.Gln553= (NM_001350249.2).
Identifiers: ClinVar variation 4993794 (VCV004993794.1).